The following is an entry in ClinVar:

NM_006662.3(SRCAP):c.9047C>T (p.Ser3016Leu)

Gene: SRCAP (Snf2 related CREBBP activator protein; plus strand). Cytogenetic location: 16p11.2.
Variant type: single nucleotide variant.
Coding change: c.9047C>T on transcript NM_006662.3 (MANE Select); coding-DNA position 9047, C replaced by T.
Protein change: p.Ser3016Leu; replaces serine 3016 with leucine.
Molecular consequence: missense variant.
Genome position (GRCh38, 1-based): chr16:30,739,087, C>T. VCF-style: chr16-30739087-C-T. GRCh37 (hg19) VCF-style: chr16-30750408-C-T.
Other names: c.9047C>T (NM_006662.2); short protein forms S3016L.
Identifiers: ClinVar variation 2899429 (VCV002899429.4), dbSNP rs750864654, ClinGen allele CA8012821.

ClinVar aggregate classification (germline): Uncertain significance. Review status: criteria provided, multiple submitters, no conflicts (2 of 4 stars). 2 submissions from 2 submitters: Uncertain significance (2). Last evaluated 2024-08-21.

Conditions:
Inborn genetic diseases. Identifiers: MedGen C0950123, MeSH D030342.

Allele frequency attached by ClinVar (database versions not stated): gnomAD exomes below 0.00001; ExAC 0.00001; gnomAD 0.00001.
gnomAD v4.1: 8 of 1,614,102 alleles (0.0005%); highest among the groups gnomAD compares: Admixed American, 0.0017%; no homozygotes.

Submissions (2):

Ambry Genetics
Classification: Uncertain significance for Inborn genetic diseases. Last evaluated: 2024-08-21. Review status: criteria provided, single submitter. Criteria: Ambry Variant Classification Scheme 2023. Collection method: clinical testing. Allele origin: germline.

Labcorp Genetics (formerly Invitae), Labcorp
Classification: Uncertain significance. Last evaluated: 2024-05-20. Review status: criteria provided, single submitter. Criteria: Invitae Variant Classification Sherloc (09022015). Collection method: clinical testing. Allele origin: germline.
Comment: This sequence change replaces serine, which is neutral and polar, with leucine, which is neutral and non-polar, at codon 3016 of the SRCAP protein (p.Ser3016Leu). This variant is present in population databases (rs750864654, gnomAD 0.003%). This variant has not been reported in the literature in individuals affected with SRCAP-related conditions. Advanced modeling of protein sequence and biophysical properties (such as structural, functional, and spatial information, amino acid conservation, physicochemical variation, residue mobility, and thermodynamic stability) performed at Invitae indicates that this missense variant is not expected to disrupt SRCAP protein function with a negative predictive value of 80%. In summary, the available evidence is currently insufficient to determine the role of this variant in disease. Therefore, it has been classified as a Variant of Uncertain Significance.